The following is an entry in ClinVar:

ClinVar aggregate classification (germline): Likely pathogenic. Review status: criteria provided, multiple submitters, no conflicts (2 of 4 stars). 2 submissions from 2 submitters: Likely pathogenic (2). Last evaluated 2026-08-25.

Conditions:
Neurodevelopmental disorder with microcephaly, impaired language, and gait abnormalities. Identifiers: MedGen C5436783, MONDO:0100348, OMIM 619091.
NARS1-related disorder. Also called: NARS1-related condition.

Submissions (2):

PreventionGenetics, part of Exact Sciences
Classification: Likely pathogenic for NARS1-related condition. Last evaluated: 2026-08-25. Review status: criteria provided, single submitter. Criteria: ACMG Guidelines, 2015. Collection method: clinical testing. Allele origin: germline.
Comment: The NARS1 c.901C>T variant is predicted to result in premature protein termination (p.Gln301*). To our knowledge, this variant has not been reported in the literature or in a large population database (gnomAD), indicating this variant is rare. Predicted loss-of-function variants have been reported as pathogenic for autosomal recessive NARS1-related disease (Manole et al. 2020. PubMed ID: 32738225). This variant is interpreted as likely pathogenic for autosomal recessive NARS1-related disease. However, for autosomal dominant NARS1-related disease this variant is of uncertain clinical significance.

Variantyx, Inc.
Classification: Likely pathogenic for Neurodevelopmental disorder with microcephaly, impaired language, and gait abnormalities. Last evaluated: 2025-03-18. Review status: criteria provided, single submitter. Criteria: Variantyx Assertion Criteria 2022. Collection method: clinical testing. Allele origin: maternal.
Comment: This is a nonsense variant in the NARS1 gene (OMIM: 108410). Pathogenic variants in this gene have been associated with autosomal recessive neurodevelopmental disorder with microcephaly, impaired language, and gait abnormalities. This variant introduces a premature termination codon in exon 9 out of 14. It is expected to result in loss of function, which is a known disease mechanism for NARS1 in this disorder (PVS1) (PMID:32738225). This variant has a 0.0007% maximum allele frequency in non-founder control populations (PM2_Supporting). This variant has not been reported in individuals with NARS1-related disorders in the databases available for review. Based on the current evidence, this variant is classified as likely pathogenic for autosomal recessive neurodevelopmental disorder with microcephaly, impaired language, and gait abnormalities.

NM_004539.4(NARS1):c.901C>T (p.Gln301Ter)

Gene: NARS1 (asparaginyl-tRNA synthetase 1; minus strand). Cytogenetic location: 18q21.31.
Variant type: single nucleotide variant.
Coding change: c.901C>T on transcript NM_004539.4 (MANE Select); coding-DNA position 901, C replaced by T.
Protein change: p.Gln301Ter; replaces glutamine 301 with a stop codon.
Molecular consequence: nonsense.
Genome position (GRCh38, 1-based): chr18:57,607,234, G>A on the plus strand (C>T on the coding strand, the complement: NARS1 is on the minus strand). VCF-style: chr18-57607234-G-A. GRCh37 (hg19) VCF-style: chr18-55274466-G-A.
Other names: c.901C>T (NM_004539.3); short protein forms Q301*.
Identifiers: ClinVar variation 4759249 (VCV004759249.2).